The following is an entry in ClinVar:

NM_000419.5(ITGA2B):c.2162G>A (p.Gly721Asp)

Gene: ITGA2B (integrin subunit alpha 2b; minus strand). Cytogenetic location: 17q21.31.
Variant type: single nucleotide variant.
Coding change: c.2162G>A on transcript NM_000419.5 (MANE Select); coding-DNA position 2162, G replaced by A.
Protein change: p.Gly721Asp; replaces glycine 721 with aspartic acid.
Molecular consequence: missense variant.
Genome position (GRCh38, 1-based): chr17:44,377,723, C>T on the plus strand (G>A on the coding strand, the complement: ITGA2B is on the minus strand). VCF-style: chr17-44377723-C-T. GRCh37 (hg19) VCF-style: chr17-42455091-C-T.
Other names: short protein forms G721D.
Identifiers: ClinVar variation 3710470 (VCV003710470.2).

ClinVar aggregate classification (germline): Uncertain significance (1 of 4 stars; one submission).

Conditions:
Glanzmann thrombasthenia. Also called: Glanzmann's thrombasthenia; BLEEDING DISORDER, PLATELET-TYPE, 2; THROMBASTHENIA OF GLANZMANN AND NAEGELI; Thrombasthenia; PLATELET GLYCOPROTEIN IIb-IIIa DEFICIENCY. Identifiers: Orphanet 849, MedGen C0040015, MONDO:0100326.

gnomAD v4.1: 3 of 1,613,614 alleles (0.00019%); highest among the groups gnomAD compares: Non-Finnish European, 0.00025%; no homozygotes.

Submission:

Labcorp Genetics (formerly Invitae), Labcorp
Classification: Uncertain significance for Glanzmann thrombasthenia. Last evaluated: 2024-05-31. Review status: criteria provided, single submitter. Criteria: Invitae Variant Classification Sherloc (09022015). Collection method: clinical testing. Allele origin: germline.
Comment: This sequence change replaces glycine, which is neutral and non-polar, with aspartic acid, which is acidic and polar, at codon 721 of the ITGA2B protein (p.Gly721Asp). This variant is not present in population databases (gnomAD no frequency). This variant has not been reported in the literature in individuals affected with ITGA2B-related conditions. Advanced modeling of protein sequence and biophysical properties (such as structural, functional, and spatial information, amino acid conservation, physicochemical variation, residue mobility, and thermodynamic stability) has been performed at Invitae for this missense variant, however the output from this modeling did not meet the statistical confidence thresholds required to predict the impact of this variant on ITGA2B protein function. In summary, the available evidence is currently insufficient to determine the role of this variant in disease. Therefore, it has been classified as a Variant of Uncertain Significance.